The following is an entry in ClinVar:

NM_000693.4(ALDH1A3):c.100-2A>G

Gene: ALDH1A3 (aldehyde dehydrogenase 1 family member A3; plus strand). Cytogenetic location: 15q26.3.
Variant type: single nucleotide variant.
Coding change: c.100-2A>G on transcript NM_000693.4 (MANE Select); the canonical splice acceptor site of the intron before coding-DNA position 100, A replaced by G.
Molecular consequence: splice acceptor variant.
Genome position (GRCh38, 1-based): chr15:100,885,265, A>G. VCF-style: chr15-100885265-A-G. GRCh37 (hg19) VCF-style: chr15-101425470-A-G.
Other names: c.100-2A>G (NM_001293815.2).
Identifiers: ClinVar variation 1803003 (VCV001803003.3), dbSNP rs1422193527, ClinGen allele CA393939983.

ClinVar aggregate classification (germline): Pathogenic. Review status: criteria provided, multiple submitters, no conflicts (2 of 4 stars). 2 submissions from 2 submitters: Pathogenic (2). Last evaluated 2025-06-13.

Conditions:
Isolated microphthalmia 8. Identifiers: Orphanet 2542, MedGen C3554524, MONDO:0014050, OMIM 615113.

Allele frequency attached by ClinVar (database versions not stated): gnomAD 0.00001; gnomAD exomes 0.00001.
gnomAD v4.1: 10 of 1,602,562 alleles (0.00062%); highest among the groups gnomAD compares: Non-Finnish European, 0.00085%; no homozygotes.

Submissions (2):

Variantyx, Inc.
Classification: Pathogenic for Isolated microphthalmia 8. Last evaluated: 2025-06-13. Review status: criteria provided, single submitter. Criteria: Variantyx Assertion Criteria 2022. Collection method: clinical testing. Allele origin: germline. Inheritance: Autosomal recessive inheritance.
Comment: This is a canonical splicing variant in the ALDH1A3 gene (OMIM: 600463). Pathogenic variants in this gene have been associated with autosomal recessive microphthalmia-8. This splicing variant is expected to result in loss of function, which is a known disease mechanism for ALDH1A3 in this disorder (PMID:36997679) (PVS1). The alteration has been identified in compound heterozygous state in at least one individuals reported in the published literature (PMID: 36997679) (PM3). It has a 0.0009% maximum allele frequency in non-founder control populations (PM2). The clinical symptoms reported for this proband are highly specific for autosomal recessive isolated microphthalmia-8, which has a limited genetic etiology (PMID: 36997679) (PP4). Based on the current evidence, this variant is classified as pathogenic for autosomal recessive microphthalmia-8.

Molecular Genetics of Human Eye Development, Oxford Brookes University
Classification: Pathogenic for Isolated microphthalmia 8. Last evaluated: 2022-09-01. Review status: criteria provided, single submitter. Criteria: ACMG Guidelines, 2015. Collection method: research. Allele origin: inherited. Affected: yes. Observed: 1 variant allele.
Comment: compound heterozygous with NM_000693.4:c.566G>A

Literature cited by the submitters: PubMed 36997679 (cited by Variantyx, Inc.).